The following is an entry in ClinVar:

ClinVar aggregate classification (germline): Uncertain significance. Review status: criteria provided, multiple submitters, no conflicts (2 of 4 stars). 2 submissions from 2 submitters: Uncertain significance (2). Last evaluated 2023-10-03.

Allele frequency attached by ClinVar (database versions not stated): gnomAD 0.00001.
gnomAD v4.1: 2 of 1,613,992 alleles (0.00012%); highest among the groups gnomAD compares: African/African-American, 0.0013%; no homozygotes.

Submissions (2):

Labcorp Genetics (formerly Invitae), Labcorp
Classification: Uncertain significance. Last evaluated: 2023-10-03. Review status: criteria provided, single submitter. Criteria: Invitae Variant Classification Sherloc (09022015). Collection method: clinical testing. Allele origin: germline.
Comment: This sequence change replaces serine, which is neutral and polar, with threonine, which is neutral and polar, at codon 1184 of the NPAT protein (p.Ser1184Thr). This variant is not present in population databases (gnomAD no frequency). This variant has not been reported in the literature in individuals affected with NPAT-related conditions. ClinVar contains an entry for this variant (Variation ID: 2562545). Algorithms developed to predict the effect of missense changes on protein structure and function output the following: SIFT: "Not Available"; PolyPhen-2: "Benign"; Align-GVGD: "Not Available". The threonine amino acid residue is found in multiple mammalian species, which suggests that this missense change does not adversely affect protein function. In summary, the available evidence is currently insufficient to determine the role of this variant in disease. Therefore, it has been classified as a Variant of Uncertain Significance.

Ambry Genetics
Classification: Uncertain significance. Last evaluated: 2023-04-18. Review status: criteria provided, single submitter. Criteria: Ambry Variant Classification Scheme 2023. Collection method: clinical testing. Allele origin: germline.
Comment: The p.S1184T variant (also known as c.3550T>A), located in coding exon 17 of the NPAT gene, results from a T to A substitution at nucleotide position 3550. The serine at codon 1184 is replaced by threonine, an amino acid with similar properties. This amino acid position is conserved. In addition, this alteration is predicted to be tolerated by in silico analysis. Since supporting evidence is limited at this time, the clinical significance of this alteration remains unclear.

NM_002519.3(NPAT):c.3550T>A (p.Ser1184Thr)

Gene: NPAT (nuclear protein, coactivator of histone transcription; minus strand). Cytogenetic location: 11q22.3.
Variant type: single nucleotide variant.
Coding change: c.3550T>A on transcript NM_002519.3 (MANE Select); coding-DNA position 3550, T replaced by A.
Protein change: p.Ser1184Thr; replaces serine 1184 with threonine.
Molecular consequence: missense variant.
Genome position (GRCh38, 1-based): chr11:108,161,536, A>T on the plus strand (T>A on the coding strand, the complement: NPAT is on the minus strand). VCF-style: chr11-108161536-A-T. GRCh37 (hg19) VCF-style: chr11-108032263-A-T.
Other names: c.3571T>A, p.Ser1191Thr (NM_001321307.1); short protein forms S1191T, S1184T.
Identifiers: ClinVar variation 2562545 (VCV002562545.5), dbSNP rs2077849609, ClinGen allele CA382510556.